The following is an entry in ClinVar:

ClinVar aggregate classification (germline): Uncertain significance (1 of 4 stars; one submission).

Allele frequency attached by ClinVar (database versions not stated): gnomAD exomes below 0.00001; gnomAD 0.00001; TOPMed 0.00001.
gnomAD v4.1: 2 of 1,064,996 alleles (0.00019%); highest among the groups gnomAD compares: African/African-American, 0.0017%; no homozygotes.

Submission:

Labcorp Genetics (formerly Invitae), Labcorp
Classification: Uncertain significance. Last evaluated: 2022-02-17. Review status: criteria provided, single submitter. Criteria: Invitae Variant Classification Sherloc (09022015). Collection method: clinical testing. Allele origin: germline.
Comment: This sequence change replaces proline, which is neutral and non-polar, with leucine, which is neutral and non-polar, at codon 1031 of the GRIN2D protein (p.Pro1031Leu). The frequency data for this variant in the population databases is considered unreliable, as metrics indicate insufficient coverage at this position in the gnomAD database. This variant has not been reported in the literature in individuals affected with GRIN2D-related conditions. Advanced modeling of protein sequence and biophysical properties (such as structural, functional, and spatial information, amino acid conservation, physicochemical variation, residue mobility, and thermodynamic stability) performed at Invitae indicates that this missense variant is not expected to disrupt GRIN2D protein function. In summary, the available evidence is currently insufficient to determine the role of this variant in disease. Therefore, it has been classified as a Variant of Uncertain Significance.

NM_000836.4(GRIN2D):c.3092C>T (p.Pro1031Leu)

Gene: GRIN2D (glutamate ionotropic receptor NMDA type subunit 2D; plus strand). Cytogenetic location: 19q13.33.
Variant type: single nucleotide variant.
Coding change: c.3092C>T on transcript NM_000836.4 (MANE Select); coding-DNA position 3092, C replaced by T.
Protein change: p.Pro1031Leu; replaces proline 1031 with leucine.
Molecular consequence: missense variant.
Genome position (GRCh38, 1-based): chr19:48,443,018, C>T. VCF-style: chr19-48443018-C-T. GRCh37 (hg19) VCF-style: chr19-48946275-C-T.
Other names: short protein forms P1031L.
Identifiers: ClinVar variation 2098097 (VCV002098097.4), dbSNP rs1971321375, ClinGen allele CA406674863.